The following is an entry in ClinVar:

NM_000535.7(PMS2):c.2032A>C (p.Ile678Leu)

Gene: PMS2 (PMS1 homolog 2, mismatch repair system component; minus strand). Cytogenetic location: 7p22.1.
Variant type: single nucleotide variant.
Coding change: c.2032A>C on transcript NM_000535.7 (MANE Select); coding-DNA position 2032, A replaced by C.
Protein change: p.Ile678Leu; replaces isoleucine 678 with leucine.
Molecular consequence: missense variant. On other transcripts: non-coding transcript variant (1).
Genome position (GRCh38, 1-based): chr7:5,982,966, T>G on the plus strand (A>C on the coding strand, the complement: PMS2 is on the minus strand). VCF-style: chr7-5982966-T-G. GRCh37 (hg19) VCF-style: chr7-6022597-T-G.
Other names: c.1627A>C, p.Ile543Leu (NM_001322003.2, NM_001322004.2, NM_001322005.2 and 1 more transcripts); c.1876A>C, p.Ile626Leu (NM_001322006.2); c.1714A>C, p.Ile572Leu (NM_001322007.2, NM_001322008.2); c.1471A>C, p.Ile491Leu (NM_001322010.2); c.1099A>C, p.Ile367Leu (NM_001322011.2, NM_001322012.2); c.1459A>C, p.Ile487Leu (NM_001322013.2); c.2032A>C, p.Ile678Leu (NM_001322014.2); c.1723A>C, p.Ile575Leu (NM_001322015.2); short protein forms I678L, I491L, I626L, I367L, I572L, I543L, I575L, I487L.
Identifiers: ClinVar variation 237897 (VCV000237897.9), dbSNP rs878854041, ClinGen allele CA10582500.

ClinVar aggregate classification (germline): Uncertain significance. Review status: criteria provided, multiple submitters, no conflicts (2 of 4 stars). 4 submissions from 4 submitters: Uncertain significance (4). Last evaluated 2024-10-30.

Conditions:
Hereditary cancer-predisposing syndrome. Also called: Neoplastic Syndromes, Hereditary; Hereditary neoplastic syndrome; Tumor predisposition; Hereditary Cancer Syndrome. Identifiers: Orphanet 140162, MedGen C0027672, MeSH D009386, MONDO:0015356.
Lynch syndrome. Identifiers: Orphanet 144, MedGen C4552100, MONDO:0005835. Disease mechanism: loss of function.

Submissions (4):

Color Diagnostics, LLC DBA Color Health
Classification: Uncertain significance for Hereditary cancer-predisposing syndrome. Last evaluated: 2024-10-30. Review status: criteria provided, single submitter. Criteria: ACMG Guidelines, 2015. Collection method: clinical testing. Allele origin: germline.
Comment: This missense variant replaces isoleucine with leucine at codon 678 of the PMS2 protein. Computational prediction suggests that this variant may not impact protein structure and function. To our knowledge, functional studies have not been reported for this variant. This variant has not been reported in individuals affected with PMS2-related disorders in the literature. This variant has not been identified in the general population by the Genome Aggregation Database (gnomAD). The available evidence is insufficient to determine the role of this variant in disease conclusively. Therefore, this variant is classified as a Variant of Uncertain Significance.

Ambry Genetics
Classification: Uncertain significance for Hereditary cancer-predisposing syndrome. Last evaluated: 2024-04-16. Review status: criteria provided, single submitter. Criteria: Ambry Variant Classification Scheme 2023. Collection method: clinical testing. Allele origin: germline.
Comment: The p.I678L variant (also known as c.2032A>C), located in coding exon 12 of the PMS2 gene, results from an A to C substitution at nucleotide position 2032. The isoleucine at codon 678 is replaced by leucine, an amino acid with highly similar properties. This amino acid position is conserved. In addition, this alteration is predicted to be tolerated by in silico analysis. Since supporting evidence is limited at this time, the clinical significance of this alteration remains unclear.

Women's Health and Genetics/Laboratory Corporation of America, LabCorp
Classification: Uncertain significance. Last evaluated: 2022-12-02. Review status: criteria provided, single submitter. Criteria: LabCorp Variant Classification Summary - May 2015. Collection method: clinical testing. Allele origin: germline.

Labcorp Genetics (formerly Invitae), Labcorp
Classification: Uncertain significance for Hereditary nonpolyposis colorectal neoplasms. Last evaluated: 2015-12-19. Review status: criteria provided, single submitter. Criteria: Invitae Variant Classification Sherloc (09022015). Collection method: clinical testing. Allele origin: germline.